The following is an entry in ClinVar:

ClinVar aggregate classification (germline): Uncertain significance. Review status: criteria provided, multiple submitters, no conflicts (2 of 4 stars). 3 submissions from 3 submitters: Uncertain significance (3). Last evaluated 2025-01-24.

Conditions:
GLI3-related disorder. Also called: GLI3-related condition; GLI3-related disorders. Identifiers: MedGen CN239292.
Inborn genetic diseases. Identifiers: MedGen C0950123, MeSH D030342.

Allele frequency attached by ClinVar (database versions not stated): gnomAD exomes below 0.00001; TOPMed 0.00001.

Submissions (3):

PreventionGenetics, part of Exact Sciences
Classification: Uncertain significance for GLI3-related condition. Last evaluated: 2025-01-24. Review status: criteria provided, single submitter. Criteria: ACMG Guidelines, 2015. Collection method: clinical testing. Allele origin: germline.
Comment: The GLI3 c.2419C>T variant is predicted to result in the amino acid substitution p.Leu807Phe. To our knowledge, this variant has not been reported in the literature. This variant is reported in 0.00088% of alleles in individuals of European (Non-Finnish) descent in gnomAD. At this time, the clinical significance of this variant is uncertain due to the absence of conclusive functional and genetic evidence.

Ambry Genetics
Classification: Uncertain significance for Inborn genetic diseases. Last evaluated: 2022-01-26. Review status: criteria provided, single submitter. Criteria: Ambry Variant Classification Scheme 2023. Collection method: clinical testing. Allele origin: germline.

GeneDx
Classification: Uncertain significance. Last evaluated: 2015-03-12. Review status: criteria provided, single submitter. Criteria: GeneDx Variant Classification (06012015). Collection method: clinical testing. Allele origin: germline. Affected: yes.
Comment: The L807F variant in the GLI3 gene has not been published as a pathogenic variant, nor has it been reported as a benign polymorphism to our knowledge. The L807F variant was not observed in approximately 6,500 individuals of European and African American ancestry in the NHLBI Exome Sequencing Project; however, data from ethnically-matched control individuals were not available to assess for a population-specific benign variant. The L807F variant is a conservative amino acid substitution, which is not likely to impact secondary protein structure as these residues share similar properties. This substitution occurs at a position that is well conserved across species. In silico analysis predicts this variant is probably damaging to the protein structure/function. A missense variant in a nearby residue (I808M) has been reported in the Human Gene Mutation Database in association with Greig cephalopolysyndactyly syndrome (Stenson et al., 2014), supporting the functional importance of this region of the protein. We interpret L807F as a variant of unknown significance.

NM_000168.6(GLI3):c.2419C>T (p.Leu807Phe)

Gene: GLI3 (GLI family zinc finger 3; minus strand). Cytogenetic location: 7p14.1.
Variant type: single nucleotide variant.
Coding change: c.2419C>T on transcript NM_000168.6 (MANE Select); coding-DNA position 2419, C replaced by T.
Protein change: p.Leu807Phe; replaces leucine 807 with phenylalanine.
Molecular consequence: missense variant.
Genome position (GRCh38, 1-based): chr7:41,967,608, G>A on the plus strand (C>T on the coding strand, the complement: GLI3 is on the minus strand). VCF-style: chr7-41967608-G-A. GRCh37 (hg19) VCF-style: chr7-42007206-G-A.
Other names: short protein forms L807F.
Identifiers: ClinVar variation 265181 (VCV000265181.5), dbSNP rs886039381, ClinGen allele CA10588426.